The following is an entry in ClinVar:

NM_015335.5(MED13L):c.4087del (p.His1363fs)

Gene: MED13L (mediator complex subunit 13L; minus strand). Cytogenetic location: 12q24.21.
Variant type: Deletion.
Coding change: c.4087del on transcript NM_015335.5 (MANE Select); coding-DNA position 4087, one base deleted (C; older notation c.4087delC).
Protein change: p.His1363fs; shifts the reading frame from histidine 1363.
Molecular consequence: frameshift variant.
Genome position (GRCh38, 1-based): chr12:115,987,136, G deleted on the plus strand (C on the coding strand, the reverse complement: MED13L is on the minus strand); the first of 2 consecutive G bases (chr12:115,987,136-115,987,137); deleting either gives the same sequence. VCF-style (leftmost placement, unchanged base first): chr12-115987135-TG-T. GRCh37 (hg19) VCF-style: chr12-116424940-TG-T.
Other names: short protein forms H1363fs.
Identifiers: ClinVar variation 1805347 (VCV001805347.4), dbSNP rs2499842382, ClinGen allele CA1139771251.

ClinVar aggregate classification (germline): Pathogenic. Review status: criteria provided, multiple submitters, no conflicts (2 of 4 stars). 2 submissions from 2 submitters: Pathogenic (2). Last evaluated 2022-11-11.

Conditions:
Inborn genetic diseases. Identifiers: MedGen C0950123, MeSH D030342.
Cardiac anomalies - developmental delay - facial dysmorphism syndrome (MRFACD). Also called: MED13L Syndrome; Impaired intellectual development and distinctive facial features with or without cardiac defects. Identifiers: Orphanet 369891, MedGen C5192431, MONDO:0014773, OMIM 616789.

Submissions (2):

Ambry Genetics
Classification: Pathogenic for Inborn genetic diseases. Last evaluated: 2022-11-11. Review status: criteria provided, single submitter. Criteria: Ambry Variant Classification Scheme 2023. Collection method: clinical testing. Allele origin: germline.
Comment: The c.4087delC (p.H1363Ifs*25) alteration, located in exon 18 (coding exon 18) of the MED13L gene, consists of a deletion of one nucleotide at position 4087, causing a translational frameshift with a predicted alternate stop codon after 25 amino acids. This alteration is expected to result in loss of function by premature protein truncation or nonsense-mediated mRNA decay. This variant was not reported in population-based cohorts in the Genome Aggregation Database (gnomAD). Based on the available evidence, this alteration is classified as pathogenic.

Victorian Clinical Genetics Services, Murdoch Childrens Research Institute
Classification: Pathogenic for Cardiac anomalies - developmental delay - facial dysmorphism syndrome. Last evaluated: 2021-05-06. Review status: criteria provided, single submitter. Criteria: ACMG Guidelines, 2015. Collection method: clinical testing. Allele origin: germline. Inheritance: Autosomal dominant inheritance. Affected: yes.
Comment: Based on the classification scheme VCGS_Germline_v1.3.4, this variant is classified as Pathogenic. Following criteria are met: 0102 - Loss of function is a known mechanism of disease in this gene and is associated with MED13L-related neurodevelopmental disorder (MIM#616789). (I) 0107 - This gene is associated with autosomal dominant disease. (I) 0115 - Variants in this gene are known to have variable expressivity (PMID: 29511999). (I) 0201 - Variant is predicted to cause nonsense-mediated decay (NMD) and loss of protein (premature termination codon is located at least 54 nucleotides upstream of the final exon-exon junction). (SP) 0251 - This variant is heterozygous. (I) 0301 - Variant is absent from gnomAD (both v2 and v3). (SP) 0701 - Other NMD variants comparable to the one identified in this case have very strong previous evidence for pathogenicity (PMID: 29511999, ClinVar, DECIPHER). (SP) 0807 - This variant has no previous evidence of pathogenicity. (I) 0905 - No published segregation evidence has been identified for this variant. (I) 1007 - No published functional evidence has been identified for this variant. (I) 1208 - Inheritance information for this variant is not currently available in this individual. (I) Legend: (SP) - Supporting pathogenic, (I) - Information, (SB) - Supporting benign

Literature cited by the submitters: PubMed 29511999 (cited by Victorian Clinical Genetics Services, Murdoch Childrens Research Institute).